The following is an entry in ClinVar:

NM_201596.3(CACNB2):c.213+110307G>A

Genes: CACNB2 (calcium voltage-gated channel auxiliary subunit beta 2; plus strand), CACNB2-AS2 (CACNB2 antisense RNA 2; minus strand). Cytogenetic location: 10p12.33.
Variant type: single nucleotide variant.
Coding change: c.213+110307G>A on transcript NM_201596.3 (MANE Select); 110307 bases into the intron after coding-DNA position 213, G replaced by A.
Molecular consequence: intron variant. On other transcripts: missense variant (2).
Genome position (GRCh38, 1-based): chr10:18,261,282, G>A. VCF-style: chr10-18261282-G-A. GRCh37 (hg19) VCF-style: chr10-18550211-G-A.
Other names: c.13G>A, p.Gly5Arg (NM_000724.4, NM_001330060.2); c.129+110307G>A (NM_201571.4, NM_001167945.2, NM_201572.4); c.213+110307G>A (NM_201593.3, NM_201597.3); c.13G>A (NM_000724.3); short protein forms G5R.
Identifiers: ClinVar variation 4985397 (VCV004985397.1), dbSNP rs768293777.
Genomic context (GRCh38, chr10:18,261,282, plus strand): 5'-AGTGCAGCTTGGTGAAGCCACACGCTGACTGCGTTCTGCCCCCTCTTCATGCAGTGCTGC[G>A]GGCTGGTGCATCGCCGGCGAGTACGGGTGTCCTATGTAAGTTTCTATTGCTGTAGAATTG-3'

ClinVar aggregate classification (germline): Uncertain significance (1 of 4 stars; one submission).

Conditions:
CACNB2-related disorder. Also called: CACNB2-related condition.

Allele frequency attached by ClinVar (database versions not stated): TOPMed below 0.00001.
gnomAD v4.1: 10 of 1,551,454 alleles (0.00064%); highest among the groups gnomAD compares: Middle Eastern, 0.017%; no homozygotes.

Submission:

PreventionGenetics, part of Exact Sciences
Classification: Uncertain significance for CACNB2-related condition. Last evaluated: 2025-08-13. Review status: criteria provided, single submitter. Criteria: ACMG Guidelines, 2015. Collection method: clinical testing. Allele origin: germline.
Comment: The CACNB2 c.13G>A variant is predicted to result in the amino acid substitution p.Gly5Arg. To our knowledge, this variant has not been reported in the literature. This variant is reported in 0.0% of alleles in individuals of African descent in gnomAD. At this time, the clinical significance of this variant is uncertain due to the absence of conclusive functional and genetic evidence.